The following is an entry in ClinVar:

ClinVar aggregate classification (germline): Uncertain significance (1 of 4 stars; one submission).

Conditions:
Dyskeratosis congenita, autosomal dominant 1 (DKCA1). Also called: Dyskeratosis congenita Scoggins type. Identifiers: Orphanet 1775, MedGen C4551974, MONDO:0007485, OMIM 127550. Inheritance: Variable.

Allele frequency attached by ClinVar (database versions not stated): TOPMed 0.00001.
gnomAD v4.1: 1 of 765,414 alleles (0.00013%); highest among the groups gnomAD compares: Non-Finnish European, 0.00024%; no homozygotes.

Submission:

Labcorp Genetics (formerly Invitae), Labcorp
Classification: Uncertain significance for Dyskeratosis congenita, autosomal dominant 1. Last evaluated: 2023-09-10. Review status: criteria provided, single submitter. Criteria: Invitae Variant Classification Sherloc (09022015). Collection method: clinical testing. Allele origin: germline.
Comment: In summary, the available evidence is currently insufficient to determine the role of this variant in disease. Therefore, it has been classified as a Variant of Uncertain Significance. This variant is located in a region of TERC in which a significant number of disease causing variants have been reported (PMID: 15082312, 21844345, 21931702). These observations suggest that this may be a clinically significant region. This variant is located within the template/pseudoknot domain of the TERC RNA component, which is required for RNA or RNP stability (PMID: 15082312, 21844345). ClinVar contains an entry for this variant (Variation ID: 1051049). This variant has not been reported in the literature in individuals affected with TERC-related conditions. This variant is not present in population databases (gnomAD no frequency). This variant occurs in the TERC gene, which encodes an RNA molecule that does not result in a protein product.

Literature cited by the submitters: PubMed 15082312; PubMed 21844345; PubMed 21931702.

NC_000003.12:g.169764942G>A

Genes: TERC (telomerase RNA component; minus strand), LOC110806306 (telomerase RNA component (TERC) promoter; plus strand). Cytogenetic location: 3q26.2.
Variant type: single nucleotide variant.
Genome position: GRCh38 VCF-style: chr3-169764942-G-A. GRCh37 (hg19) VCF-style: chr3-169482730-G-A.
Identifiers: ClinVar variation 1051049 (VCV001051049.9), dbSNP rs1021170574, ClinGen allele CA87624312.
Genomic context (GRCh38, chr3:169,764,942, plus strand): 5'-ACATTTTTTGTTTGCTCTAGAATGAACGGTGGAAGGCGGCAGGCCGAGGCTTTTCCGCCC[G>A]CTGAAAGTCAGCGAGAAAAACAGCGCGCGGGGAGCAAAAGCACGGCGCCTACGCCCTTCT-3'